The following is an entry in ClinVar:

NM_005633.4(SOS1):c.3914T>G (p.Leu1305Arg)

Gene: SOS1 (SOS Ras/Rac guanine nucleotide exchange factor 1; minus strand). Cytogenetic location: 2p22.1.
Variant type: single nucleotide variant.
Coding change: c.3914T>G on transcript NM_005633.4 (MANE Select); coding-DNA position 3914, T replaced by G.
Protein change: p.Leu1305Arg; replaces leucine 1305 with arginine.
Molecular consequence: missense variant.
Genome position (GRCh38, 1-based): chr2:38,985,912, A>C on the plus strand (T>G on the coding strand, the complement: SOS1 is on the minus strand). VCF-style: chr2-38985912-A-C. GRCh37 (hg19) VCF-style: chr2-39213053-A-C.
Other names: c.3893T>G, p.Leu1298Arg (NM_001382394.1); c.3869T>G, p.Leu1290Arg (NM_001382395.1); short protein forms L1298R, L1305R, L1290R.
Identifiers: ClinVar variation 2044771 (VCV002044771.4), dbSNP rs2528869344, ClinGen allele CA346362052.

ClinVar aggregate classification (germline): Uncertain significance (1 of 4 stars; one submission).

Conditions:
RASopathy. Also called: rasopathies; Noonan spectrum disorder. Identifiers: Orphanet 536391, MedGen C5555857, MONDO:0021060.

Submission:

Labcorp Genetics (formerly Invitae), Labcorp
Classification: Uncertain significance for RASopathy. Last evaluated: 2022-03-05. Review status: criteria provided, single submitter. Criteria: Invitae Variant Classification Sherloc (09022015). Collection method: clinical testing. Allele origin: germline.
Comment: This sequence change replaces leucine, which is neutral and non-polar, with arginine, which is basic and polar, at codon 1305 of the SOS1 protein (p.Leu1305Arg). This variant is not present in population databases (gnomAD no frequency). This variant has not been reported in the literature in individuals affected with SOS1-related conditions. Advanced modeling of protein sequence and biophysical properties (such as structural, functional, and spatial information, amino acid conservation, physicochemical variation, residue mobility, and thermodynamic stability) performed at Invitae indicates that this missense variant is expected to disrupt SOS1 protein function. In summary, the available evidence is currently insufficient to determine the role of this variant in disease. Therefore, it has been classified as a Variant of Uncertain Significance.